The following is an entry in ClinVar:

ClinVar aggregate classification (germline): Uncertain significance. Review status: criteria provided, multiple submitters, no conflicts (2 of 4 stars). 2 submissions from 2 submitters: Uncertain significance (2). Last evaluated 2024-12-22.

Conditions:
Inborn genetic diseases. Identifiers: MedGen C0950123, MeSH D030342.

Allele frequency attached by ClinVar (database versions not stated): gnomAD exomes below 0.00001; gnomAD 0.00005; TOPMed 0.00018.
gnomAD v4.1: 14 of 1,613,058 alleles (0.00087%); highest among the groups gnomAD compares: Admixed American, 0.02%; no homozygotes.

Submissions (2):

Labcorp Genetics (formerly Invitae), Labcorp
Classification: Uncertain significance. Last evaluated: 2024-12-22. Review status: criteria provided, single submitter. Criteria: Invitae Variant Classification Sherloc (09022015). Collection method: clinical testing. Allele origin: germline.
Comment: This sequence change replaces leucine, which is neutral and non-polar, with phenylalanine, which is neutral and non-polar, at codon 48 of the COL18A1 protein (p.Leu48Phe). This variant is present in population databases (no rsID available, gnomAD 0.1%). This variant has not been reported in the literature in individuals affected with COL18A1-related conditions. ClinVar contains an entry for this variant (Variation ID: 1378380). Experimental studies and prediction algorithms are not available or were not evaluated, and the functional significance of this variant is currently unknown. In summary, the available evidence is currently insufficient to determine the role of this variant in disease. Therefore, it has been classified as a Variant of Uncertain Significance.

Ambry Genetics
Classification: Uncertain significance for Inborn genetic diseases. Last evaluated: 2021-09-27. Review status: criteria provided, single submitter. Criteria: Ambry Variant Classification Scheme 2023. Collection method: clinical testing. Allele origin: germline.

NM_001379500.1(COL18A1):c.142C>T (p.Leu48Phe)

Gene: COL18A1 (collagen type XVIII alpha 1 chain; plus strand). Cytogenetic location: 21q22.3.
Variant type: single nucleotide variant.
Coding change: c.142C>T on transcript NM_001379500.1 (MANE Select); coding-DNA position 142, C replaced by T.
Protein change: p.Leu48Phe; replaces leucine 48 with phenylalanine.
Molecular consequence: missense variant.
Genome position (GRCh38, 1-based): chr21:45,468,277, C>T. VCF-style: chr21-45468277-C-T. GRCh37 (hg19) VCF-style: chr21-46888191-C-T.
Other names: NM_130445.2:c.142C>T; c.682C>T, p.Leu228Phe (NM_030582.4); c.1387C>T, p.Leu463Phe (NM_130444.3); short protein forms L48F, L228F, L463F.
Identifiers: ClinVar variation 1378380 (VCV001378380.5), dbSNP rs978459772, ClinGen allele CA321905751.